The following is an entry in ClinVar:

ClinVar aggregate classification (germline): Likely benign. Review status: criteria provided, multiple submitters, no conflicts (2 of 4 stars). 2 submissions from 2 submitters: Likely benign (2). Last evaluated 2026-04-27.

Conditions:
Ehlers-Danlos syndrome, kyphoscoliotic type 1 (EDSKSCL1). Also called: PLOD1-Related Kyphoscoliotic Ehlers-Danlos Syndrome; EHLERS-DANLOS SYNDROME, OCULAR-SCOLIOTIC TYPE; EHLERS-DANLOS SYNDROME, TYPE VIA; Ehlers-Danlos syndrome, hydroxylysine-deficient. Identifiers: Orphanet 1900, MedGen C0268342, MONDO:0016002, OMIM 225400. Disease mechanism: loss of function.

Submissions (2):

Women's Health and Genetics/Laboratory Corporation of America, LabCorp
Classification: Likely benign. Last evaluated: 2026-04-27. Review status: criteria provided, single submitter. Criteria: LabCorp Variant Classification Summary - May 2015. Collection method: clinical testing. Allele origin: germline.
Comment: Variant summary: PLOD1 c.644-17_644-16delTG alters a nucleotide located at a position not widely known to affect splicing. Consensus agreement among computation tools predict no significant impact on normal splicing. However, these predictions have yet to be confirmed by functional studies. The variant allele was found at a frequency of 2e-05 in 251472 control chromosomes. The available data on variant occurrences in the general population are insufficient to allow any conclusion about variant significance. To our knowledge, no occurrence of c.644-17_644-16delTG in individuals affected with PLOD1-related conditions and no experimental evidence demonstrating its impact on protein function have been reported. ClinVar contains an entry for this variant (Variation ID: 1634470). Based on the evidence outlined above, the variant was classified as likely benign.

Labcorp Genetics (formerly Invitae), Labcorp
Classification: Likely benign for Ehlers-Danlos syndrome, kyphoscoliotic type 1. Last evaluated: 2025-12-30. Review status: criteria provided, single submitter. Criteria: Invitae Variant Classification Sherloc (09022015). Collection method: clinical testing. Allele origin: germline.

NM_000302.4(PLOD1):c.644-17_644-16del

Gene: PLOD1 (procollagen-lysine,2-oxoglutarate 5-dioxygenase 1; plus strand). Cytogenetic location: 1p36.22.
Variant type: Microsatellite.
Coding change: c.644-17_644-16del on transcript NM_000302.4 (MANE Select); 17 bases into the intron before coding-DNA position 644 through 16 bases into the intron before coding-DNA position 644, 2 bases deleted (TG; older notation c.644-17_644-16delTG).
Molecular consequence: intron variant.
Genome position (GRCh38, 1-based): chr1:11,956,900-11,956,901, TG deleted; deleting any 2 consecutive bases within chr1:11,956,898-11,956,901 gives the same sequence; the c. name uses the placement nearest the transcript's 3' end. VCF-style (leftmost placement, unchanged base first): chr1-11956897-CTG-C. GRCh37 (hg19) VCF-style: chr1-12016954-CTG-C.
Other names: c.785-17_785-16del (NM_001316320.2); c.644-17_644-16delTG (NM_000302.4).
Identifiers: ClinVar variation 1634470 (VCV001634470.9), dbSNP rs755109500, ClinGen allele CA598034.